The following is an entry in ClinVar:

ClinVar aggregate classification (germline): Likely benign. Review status: criteria provided, multiple submitters, no conflicts (2 of 4 stars). 3 submissions from 3 submitters: Likely benign (2). 1 of the submissions does not count toward it. Last evaluated 2025-10-02.

Conditions:
Axenfeld-Rieger syndrome type 3 (RIEG3). Also called: AXENFELD-RIEGER ANOMALY WITH CARDIAC DEFECTS AND/OR SENSORINEURAL HEARING LOSS. Identifiers: Orphanet 782, MedGen C2678503, MONDO:0011233, OMIM 602482.
FOXC1-related disorder. Also called: FOXC1-related condition.

Allele frequency attached by ClinVar (database versions not stated): gnomAD exomes 0.00004; gnomAD 0.00005 and 0.00006; TOPMed 0.00005.

Submissions (3):

Labcorp Genetics (formerly Invitae), Labcorp
Classification: Likely benign for Axenfeld-Rieger syndrome type 3. Last evaluated: 2025-10-02. Review status: criteria provided, single submitter. Criteria: Invitae Variant Classification Sherloc (09022015). Collection method: clinical testing. Allele origin: germline.

Blueprint Genetics
Classification: Likely benign. Last evaluated: 2024-08-15. Review status: criteria provided, single submitter. Criteria: ACMG Guidelines, 2015. Collection method: clinical testing. Allele origin: germline.

PreventionGenetics, part of Exact Sciences
Classification: Likely benign for FOXC1-related condition. Last evaluated: 2021-05-07. Review status: no assertion criteria provided. Collection method: clinical testing. Allele origin: germline. Not counted in ClinVar's aggregate classification.
Comment: This variant is classified as likely benign based on ACMG/AMP sequence variant interpretation guidelines (Richards et al. 2015 PMID: 25741868, with internal and published modifications).

NM_001453.3(FOXC1):c.9G>T (p.Ala3=)

Gene: FOXC1 (forkhead box C1; plus strand). Cytogenetic location: 6p25.3.
Variant type: single nucleotide variant.
Coding change: c.9G>T on transcript NM_001453.3 (MANE Select); coding-DNA position 9, G replaced by T.
Protein change: p.Ala3=; no amino-acid change (alanine 3 retained).
Molecular consequence: synonymous variant.
Genome position (GRCh38, 1-based): chr6:1,610,454, G>T. VCF-style: chr6-1610454-G-T. GRCh37 (hg19) VCF-style: chr6-1610689-G-T.
Other names: c.9G>T (NM_001453.2).
Identifiers: ClinVar variation 1673473 (VCV001673473.11), dbSNP rs779435104, ClinGen allele CA3614691.